The following is an entry in ClinVar:

NM_183050.4(BCKDHB):c.812A>C (p.Asp271Ala)

Gene: BCKDHB (branched chain keto acid dehydrogenase E1 subunit beta; plus strand). Cytogenetic location: 6q14.1.
Variant type: single nucleotide variant.
Coding change: c.812A>C on transcript NM_183050.4 (MANE Select); coding-DNA position 812, A replaced by C.
Protein change: p.Asp271Ala; replaces aspartic acid 271 with alanine.
Molecular consequence: missense variant. On other transcripts: non-coding transcript variant (1).
Genome position (GRCh38, 1-based): chr6:80,201,003, A>C. VCF-style: chr6-80201003-A-C. GRCh37 (hg19) VCF-style: chr6-80910720-A-C.
Other names: c.812A>C, p.Asp271Ala (NM_000056.5); c.602A>C, p.Asp201Ala (NM_001318975.1); short protein forms D201A, D271A.
Identifiers: ClinVar variation 1399864 (VCV001399864.5), dbSNP rs2127823416, ClinGen allele CA364660032.

ClinVar aggregate classification (germline): Uncertain significance (1 of 4 stars; one submission).

Conditions:
Maple syrup urine disease (MSUD). Identifiers: Orphanet 511, MedGen C0024776, MeSH D008375, MONDO:0009563. Disease mechanism: loss of function.

Allele frequency attached by ClinVar (database versions not stated): gnomAD exomes below 0.00001.
gnomAD v4.1: 1 of 1,612,632 alleles (0.000062%); highest among the groups gnomAD compares: Admixed American, 0.0017%; no homozygotes.

Submission:

Labcorp Genetics (formerly Invitae), Labcorp
Classification: Uncertain significance for Maple syrup urine disease. Last evaluated: 2024-05-15. Review status: criteria provided, single submitter. Criteria: Invitae Variant Classification Sherloc (09022015). Collection method: clinical testing. Allele origin: germline.
Comment: This sequence change replaces aspartic acid, which is acidic and polar, with alanine, which is neutral and non-polar, at codon 271 of the BCKDHB protein (p.Asp271Ala). This variant is not present in population databases (gnomAD no frequency). This variant has not been reported in the literature in individuals affected with BCKDHB-related conditions. ClinVar contains an entry for this variant (Variation ID: 1399864). Advanced modeling of protein sequence and biophysical properties (such as structural, functional, and spatial information, amino acid conservation, physicochemical variation, residue mobility, and thermodynamic stability) performed at Invitae indicates that this missense variant is not expected to disrupt BCKDHB protein function with a negative predictive value of 80%. In summary, the available evidence is currently insufficient to determine the role of this variant in disease. Therefore, it has been classified as a Variant of Uncertain Significance.